The following is an entry in ClinVar:

ClinVar aggregate classification (germline): Pathogenic. Review status: criteria provided, multiple submitters, no conflicts (2 of 4 stars). 2 submissions from 2 submitters: Pathogenic (2). Last evaluated 2026-04-14.

Conditions:
Familial intrahepatic cholestasis. Identifiers: Orphanet 284385, MedGen CN296401, MONDO:0017290.
Progressive familial intrahepatic cholestasis type 2. Identifiers: Orphanet 79304, MedGen C3489789, MONDO:0011156, OMIM 601847.

Submissions (2):

Genomenon, Inc
Classification: Pathogenic for Familial intrahepatic cholestasis. Last evaluated: 2026-04-14. Review status: criteria provided, single submitter. Criteria: Genomenon Sequence Variant Interpretation Standards - Updated. Collection method: curation. Allele origin: germline. Affected: yes.
Comment: ABCB11 p.Tyr472Ter (c.1416T>A) is a nonsense variant that introduces a premature stop codon at amino acid position 472, creating a truncated protein that is predicted to undergo nonsense-mediated mRNA decay. This variant has been observed in at least one proband with an ABCB11-related disorder (PMID:34828443;34916336;16871584). It is absent or not present at a significant frequency in gnomAD. In conclusion, we classify ABCB11 p.Tyr472Ter (c.1416T>A) as a pathogenic variant.

Department of Genetics, Sultan Qaboos University Hospital
Classification: Pathogenic for Progressive familial intrahepatic cholestasis type 2. Last evaluated: 2017-12-30. Review status: criteria provided, single submitter. Criteria: ACMG Guidelines, 2015. Collection method: curation. Allele origin: unknown. Affected: yes.

Literature cited by the submitters: PubMed 34828443 (cited by Genomenon, Inc); PubMed 34916336 (cited by Genomenon, Inc); PubMed 16871584 (cited by Genomenon, Inc).

NM_003742.4(ABCB11):c.1416T>A (p.Tyr472Ter)

Gene: ABCB11 (ATP binding cassette subfamily B member 11; minus strand). Cytogenetic location: 2q31.1.
Variant type: single nucleotide variant.
Coding change: c.1416T>A on transcript NM_003742.4 (MANE Select); coding-DNA position 1416, T replaced by A.
Protein change: p.Tyr472Ter; replaces tyrosine 472 with a stop codon.
Molecular consequence: nonsense.
Genome position (GRCh38, 1-based): chr2:168,973,733, A>T on the plus strand (T>A on the coding strand, the complement: ABCB11 is on the minus strand). VCF-style: chr2-168973733-A-T. GRCh37 (hg19) VCF-style: chr2-169830243-A-T.
Other names: c.1416T>A, p.Tyr472Ter (LRG_1199t1); short protein forms Y472*.
Identifiers: ClinVar variation 623288 (VCV000623288.3), dbSNP rs1558898789, ClinGen allele CA349117008.
Genomic context (GRCh38, chr2:168,973,733, plus strand): 5'-TTACTGTCCCCATGTATTGAGGAGTTTCTGGAAGACACCCACCATTCCTTCACAGGGGTC[A>T]TAGAATCGCTGAATGAGTTGCAGTGCTGTACTTTTTCCAGCTCCACTGGGTCCTACCAGA-3'